The following is an entry in ClinVar:

ClinVar aggregate classification (germline): Uncertain significance (1 of 4 stars; one submission).

Conditions:
Hereditary cancer-predisposing syndrome. Also called: Neoplastic Syndromes, Hereditary; Tumor predisposition; Hereditary neoplastic syndrome; Hereditary Cancer Syndrome. Identifiers: Orphanet 140162, MedGen C0027672, MeSH D009386, MONDO:0015356.

Submission:

Ambry Genetics
Classification: Uncertain significance for Hereditary cancer-predisposing syndrome. Last evaluated: 2026-07-07. Review status: criteria provided, single submitter. Criteria: Ambry Variant Classification Scheme 2023. Collection method: clinical testing. Allele origin: germline.
Comment: The p.E811K variant (also known as c.2431G>A), located in coding exon 10 of the AXIN2 gene, results from a G to A substitution at nucleotide position 2431. The glutamic acid at codon 811 is replaced by lysine, an amino acid with similar properties. This amino acid position is conserved. In addition, this alteration is predicted to be deleterious by in silico analysis. Based on the available evidence, the clinical significance of this variant remains unclear.

NM_004655.4(AXIN2):c.2431G>A (p.Glu811Lys)

Gene: AXIN2 (axin 2; minus strand). Cytogenetic location: 17q24.1.
Variant type: single nucleotide variant.
Coding change: c.2431G>A on transcript NM_004655.4 (MANE Select); coding-DNA position 2431, G replaced by A.
Protein change: p.Glu811Lys; replaces glutamic acid 811 with lysine.
Molecular consequence: missense variant.
Genome position (GRCh38, 1-based): chr17:65,530,077, C>T on the plus strand (G>A on the coding strand, the complement: AXIN2 is on the minus strand). VCF-style: chr17-65530077-C-T. GRCh37 (hg19) VCF-style: chr17-63526195-C-T.
Other names: c.2236G>A, p.Glu746Lys (NM_001363813.1); short protein forms E811K, E746K.
Identifiers: ClinVar variation 5032607 (VCV005032607.1).